The following is an entry in ClinVar:

ClinVar aggregate classification (germline): Likely pathogenic (1 of 4 stars; one submission).

Conditions:
MEIS2-related disorder.

Submission:

PreventionGenetics, part of Exact Sciences
Classification: Likely pathogenic for MEIS2-related condition. Last evaluated: 2025-03-31. Review status: criteria provided, single submitter. Criteria: ACMG Guidelines, 2015. Collection method: clinical testing. Allele origin: germline.
Comment: The MEIS2 c.279dupT variant is predicted to result in premature protein termination (p.Glu94*). To our knowledge, this variant has not been reported in the literature or in a large population database (gnomAD), indicating this variant is rare. Nonsense variants in MEIS2 are expected to be pathogenic. This variant is interpreted as likely pathogenic.

NM_170675.5(MEIS2):c.279dup (p.Glu94Ter)

Gene: MEIS2 (Meis homeobox 2; minus strand). Cytogenetic location: 15q14.
Variant type: Duplication.
Coding change: c.279dup on transcript NM_170675.5 (MANE Select); coding-DNA position 279, one base duplicated (T; older notation c.279dupT).
Protein change: p.Glu94Ter; replaces glutamic acid 94 with a stop codon.
Molecular consequence: nonsense. On other transcripts: non-coding transcript variant (1).
Genome position (GRCh38, 1-based): chr15:37,096,397, A duplicated on the plus strand (T on the coding strand, the reverse complement: MEIS2 is on the minus strand); the first of 3 consecutive A bases (chr15:37,096,397-37,096,399); duplicating any one gives the same sequence. VCF-style (leftmost placement, unchanged base first): chr15-37096396-C-CA. GRCh37 (hg19) VCF-style: chr15-37388597-C-CA.
Other names: c.279dup, p.Glu94Ter (NM_001220482.2, NM_170674.5, NM_170676.5 and 1 more transcripts); c.240dup, p.Glu81Ter (NM_002399.4, NM_172315.3); c.15dup, p.Glu6Ter (NM_172316.3); short protein forms E81*, E6*, E94*.
Identifiers: ClinVar variation 5001392 (VCV005001392.1).
Genomic context (GRCh38, chr15:37,096,396, plus strand): 5'-AGACGTCTCCGCCAGCCACTCCAGGTTCCCGGGGAGTGCAGGTCGCCAGCTCGCACTTCT[C>CA]AAAGACCAGAGCTAACAGAGGAAACAACGGGTGCCTAACGGGCAGCGCCACGCAGAGACA-3'